The following is an entry in ClinVar:

NM_001232.4(CASQ2):c.395A>T (p.Asp132Val)

Gene: CASQ2 (calsequestrin 2; minus strand). Cytogenetic location: 1p13.1.
Variant type: single nucleotide variant.
Coding change: c.395A>T on transcript NM_001232.4 (MANE Select); coding-DNA position 395, A replaced by T.
Protein change: p.Asp132Val; replaces aspartic acid 132 with valine.
Molecular consequence: missense variant.
Genome position (GRCh38, 1-based): chr1:115,740,753, T>A on the plus strand (A>T on the coding strand, the complement: CASQ2 is on the minus strand). VCF-style: chr1-115740753-T-A. GRCh37 (hg19) VCF-style: chr1-116283374-T-A.
Other names: short protein forms D132V.
Identifiers: ClinVar variation 1736494 (VCV001736494.3), dbSNP rs1648147556, ClinGen allele CA341764385.

ClinVar aggregate classification (germline): Uncertain significance. Review status: criteria provided, multiple submitters, no conflicts (2 of 4 stars). 2 submissions from 2 submitters: Uncertain significance (2). Last evaluated 2025-05-29.

Conditions:
Cardiovascular phenotype. Identifiers: MedGen CN230736.
Catecholaminergic polymorphic ventricular tachycardia 1. Also called: VENTRICULAR TACHYCARDIA, CATECHOLAMINERGIC POLYMORPHIC, 1, WITH OR WITHOUT ATRIAL DYSFUNCTION AND/OR DILATED CARDIOMYOPATHY; VENTRICULAR TACHYCARDIA, STRESS-INDUCED POLYMORPHIC 1; RYR2-Related Catecholaminergic Polymorphic Ventricular Tachycardia. Identifiers: Orphanet 3286, MedGen C1631597, MONDO:0011484, OMIM 604772.

Allele frequency attached by ClinVar (database versions not stated): gnomAD exomes below 0.00001; TOPMed below 0.00001; gnomAD 0.00001.
gnomAD v4.1: 2 of 1,612,434 alleles (0.00012%); highest among the groups gnomAD compares: African/African-American, 0.0013%; no homozygotes.

Submissions (2):

Labcorp Genetics (formerly Invitae), Labcorp
Classification: Uncertain significance for Catecholaminergic polymorphic ventricular tachycardia 1. Last evaluated: 2025-05-29. Review status: criteria provided, single submitter. Criteria: Invitae Variant Classification Sherloc (09022015). Collection method: clinical testing. Allele origin: germline.
Comment: This sequence change replaces aspartic acid, which is acidic and polar, with valine, which is neutral and non-polar, at codon 132 of the CASQ2 protein (p.Asp132Val). This variant is not present in population databases (gnomAD no frequency). This variant has not been reported in the literature in individuals affected with CASQ2-related conditions. ClinVar contains an entry for this variant (Variation ID: 1736494). Invitae Evidence Modeling of protein sequence and biophysical properties (such as structural, functional, and spatial information, amino acid conservation, physicochemical variation, residue mobility, and thermodynamic stability) indicates that this missense variant is not expected to disrupt CASQ2 protein function with a negative predictive value of 80%. In summary, the available evidence is currently insufficient to determine the role of this variant in disease. Therefore, it has been classified as a Variant of Uncertain Significance.

Ambry Genetics
Classification: Uncertain significance for Cardiovascular phenotype. Last evaluated: 2019-06-20. Review status: criteria provided, single submitter. Criteria: Ambry Variant Classification Scheme 2023. Collection method: clinical testing. Allele origin: germline.
Comment: The p.D132V variant (also known as c.395A>T), located in coding exon 3 of the CASQ2 gene, results from an A to T substitution at nucleotide position 395. The aspartic acid at codon 132 is replaced by valine, an amino acid with highly dissimilar properties. This amino acid position is well conserved in available vertebrate species. In addition, this alteration is predicted to be deleterious by in silico analysis. Since supporting evidence is limited at this time, the clinical significance of this alteration remains unclear.